The following is an entry in ClinVar:

ClinVar aggregate classification (germline): Likely benign (1 of 4 stars; one submission).

Submission:

CeGaT Center for Human Genetics Tuebingen
Classification: Likely benign. Last evaluated: 2026-09-01. Review status: criteria provided, single submitter. Criteria: CeGaT Center For Human Genetics Tuebingen Variant Classification Criteria Version 2. Collection method: clinical testing. Allele origin: germline. Affected: yes. Observed: 3 variant alleles.
Comment: RET: PM2:Supporting, BP4, BP7

NM_020975.6(RET):c.625+23C>G

Gene: RET (ret proto-oncogene; plus strand). Cytogenetic location: 10q11.21.
Variant type: single nucleotide variant.
Coding change: c.625+23C>G on transcript NM_020975.6 (MANE Select); 23 bases into the intron after coding-DNA position 625, C replaced by G.
Molecular consequence: intron variant.
Genome position (GRCh38, 1-based): chr10:43,102,652, C>G. VCF-style: chr10-43102652-C-G. GRCh37 (hg19) VCF-style: chr10-43598100-C-G.
Other names: c.625+23C>G (NM_020630.7, NM_001406743.1, NM_001406744.1 and 14 more transcripts); c.496+23C>G (NM_001406764.1, NM_001406762.1, NM_001406761.1 and 4 more transcripts); c.337+1930C>G (NM_001406770.1, NM_001406766.1, NM_001406767.1 and 8 more transcripts); c.74-6379C>G (NM_001406784.1); c.74-9447C>G (NM_001406794.1, NM_001406792.1, NM_001406793.1).
Identifiers: ClinVar variation 3771271 (VCV003771271.13).